The following is an entry in ClinVar:

NM_001349338.3(FOXP1):c.502C>T (p.Pro168Ser)

Gene: FOXP1 (forkhead box P1; minus strand). Cytogenetic location: 3p13.
Variant type: single nucleotide variant.
Coding change: c.502C>T on transcript NM_001349338.3 (MANE Select); coding-DNA position 502, C replaced by T.
Protein change: p.Pro168Ser; replaces proline 168 with serine.
Molecular consequence: missense variant. On other transcripts: non-coding transcript variant (2), intron variant (1).
Genome position (GRCh38, 1-based): chr3:71,052,545, G>A on the plus strand (C>T on the coding strand, the complement: FOXP1 is on the minus strand). VCF-style: chr3-71052545-G-A. GRCh37 (hg19) VCF-style: chr3-71101696-G-A.
Other names: c.502C>T, p.Pro168Ser (NM_001244808.3, NM_001244810.2, NM_001244814.3 and 3 more transcripts); c.202C>T, p.Pro68Ser (NM_001244813.3, NM_001244815.2, NM_001349342.3 and 1 more transcripts); c.199C>T, p.Pro67Ser (NM_001349337.2, NM_001349343.3, NM_001349344.3); c.499C>T, p.Pro167Ser (NM_001349341.3); c.283-5450C>T (NM_001244812.3); short protein forms P167S, P68S, P168S, P67S.
Identifiers: ClinVar variation 4697511 (VCV004697511.1).
Genomic context (GRCh38, chr3:71,052,545, plus strand): 5'-AGATAGTCCTCTGGGATCTGTGGTTTGAAAGTAAAATATGTATTGTCGGTACCTCTTTAG[G>A]CTGTTTTCCAGCATGTTGTTGTTGTAAAAGTTGAAGCTGCAACTGTTCCTGTTGTTTTTT-3'
Protein context (NP_001336267.1, residues 158-178): LLQQQHAGKQ[Pro168Ser]KEQQQVATQQ

ClinVar aggregate classification (germline): Uncertain significance (1 of 4 stars; one submission).

Submission:

Labcorp Genetics (formerly Invitae), Labcorp
Classification: Uncertain significance. Last evaluated: 2025-11-17. Review status: criteria provided, single submitter. Criteria: Invitae Variant Classification Sherloc (09022015). Collection method: clinical testing. Allele origin: germline.
Comment: This sequence change replaces proline, which is neutral and non-polar, with serine, which is neutral and polar, at codon 168 of the FOXP1 protein (p.Pro168Ser). This variant is not present in population databases (gnomAD no frequency). This variant has not been reported in the literature in individuals affected with FOXP1-related conditions. Invitae Evidence Modeling of protein sequence and biophysical properties (such as structural, functional, and spatial information, amino acid conservation, physicochemical variation, residue mobility, and thermodynamic stability) indicates that this missense variant is not expected to disrupt FOXP1 protein function with a negative predictive value of 95%. In summary, the available evidence is currently insufficient to determine the role of this variant in disease. Therefore, it has been classified as a Variant of Uncertain Significance.